The following is an entry in ClinVar:

ClinVar aggregate classification (germline): Uncertain significance (1 of 4 stars; one submission).

Conditions:
Gingival disorder. Also called: Gingival disease. Identifiers: MedGen C0017563, MONDO:0002021.

gnomAD v4.1: 2 of 1,614,042 alleles (0.00012%); highest among the groups gnomAD compares: Admixed American, 0.0033%; no homozygotes.

Submission:

Labcorp Genetics (formerly Invitae), Labcorp
Classification: Uncertain significance for Gingival disorder. Last evaluated: 2026-01-23. Review status: criteria provided, single submitter. Criteria: Invitae Variant Classification Sherloc (09022015). Collection method: clinical testing. Allele origin: germline.
Comment: This sequence change replaces alanine, which is neutral and non-polar, with valine, which is neutral and non-polar, at codon 142 of the FPR1 protein (p.Ala142Val). This variant is present in population databases (no rsID available, gnomAD 0.003%). This variant has not been reported in the literature in individuals affected with FPR1-related conditions. An algorithm developed to predict the effect of missense changes on protein structure and function (PolyPhen-2) suggests that this variant is likely to be disruptive. In summary, the available evidence is currently insufficient to determine the role of this variant in disease. Therefore, it has been classified as a Variant of Uncertain Significance.

NM_002029.4(FPR1):c.425C>T (p.Ala142Val)

Gene: FPR1 (formyl peptide receptor 1; minus strand). Cytogenetic location: 19q13.41.
Variant type: single nucleotide variant.
Coding change: c.425C>T on transcript NM_002029.4 (MANE Select); coding-DNA position 425, C replaced by T.
Protein change: p.Ala142Val; replaces alanine 142 with valine.
Molecular consequence: missense variant.
Genome position (GRCh38, 1-based): chr19:51,746,570, G>A on the plus strand (C>T on the coding strand, the complement: FPR1 is on the minus strand). VCF-style: chr19-51746570-G-A. GRCh37 (hg19) VCF-style: chr19-52249823-G-A.
Other names: c.425C>T, p.Ala142Val (NM_001193306.2); short protein forms A142V.
Identifiers: ClinVar variation 4763088 (VCV004763088.1).